The following is an entry in ClinVar:

ClinVar aggregate classification (germline): Likely pathogenic (1 of 4 stars; one submission).

Conditions:
Primary hyperoxaluria, type II (HP2). Also called: OXALOSIS II; Primary hyperoxaluria type 2; D-GLYCERATE DEHYDROGENASE DEFICIENCY; GLYCERIC ACIDURIA; GLYOXYLATE REDUCTASE/HYDROXYPYRUVATE REDUCTASE DEFICIENCY. Identifiers: Orphanet 416, Orphanet 93599, MedGen C0268165, MONDO:0009824, OMIM 260000. Disease mechanism: loss of function.

Submission:

Myriad Genetics, Inc.
Classification: Likely pathogenic for Primary hyperoxaluria, type II. Last evaluated: 2022-05-18. Review status: criteria provided, single submitter. Criteria: Myriad Women's Health Autosomal Recessive and X-Linked Classification Criteria (2021). Collection method: clinical testing. Allele origin: unknown.
Comment: NM_012203.1(GRHPR):c.319dupC(L107Pfs*84) is expected to be pathogenic in the context of primary hyperoxaluria type 2. This variant is predicted to lead to an abnormal or absent protein product due to the creation of a premature termination codon in GRHPR, a gene where loss-of-function variants are known to be pathogenic. Please note: this variant was assessed in the context of healthy population screening.

NM_012203.2(GRHPR):c.319dup (p.Leu107fs)

Gene: GRHPR (glyoxylate and hydroxypyruvate reductase; plus strand). Cytogenetic location: 9p13.2.
Variant type: Duplication.
Coding change: c.319dup on transcript NM_012203.2 (MANE Select); coding-DNA position 319, one base duplicated (C; older notation c.319dupC).
Protein change: p.Leu107fs; shifts the reading frame from leucine 107.
Molecular consequence: frameshift variant.
Genome position (GRCh38, 1-based): chr9:37,426,569, C duplicated; the last of 2 consecutive C bases (chr9:37,426,568-37,426,569); duplicating either gives the same sequence. VCF-style (leftmost placement, unchanged base first): chr9-37426567-T-TC. GRCh37 (hg19) VCF-style: chr9-37426564-T-TC.
Other names: short protein forms L107fs.
Identifiers: ClinVar variation 1726132 (VCV001726132.2), dbSNP rs2489235913, ClinGen allele CA2580080514.